The following is an entry in ClinVar:

ClinVar aggregate classification (germline): Uncertain significance (1 of 4 stars; one submission).

Conditions:
Cystic fibrosis (CF). Also called: MUCOVISCIDOSIS. Identifiers: Orphanet 586, MedGen C0010674, MONDO:0009061, OMIM 219700. Disease mechanism: loss of function.

gnomAD v4.1: 2 of 1,613,376 alleles (0.00012%); highest among the groups gnomAD compares: Admixed American, 0.0017%; no homozygotes.

Submission:

Ambry Genetics
Classification: Uncertain significance for Cystic fibrosis. Last evaluated: 2018-07-17. Review status: criteria provided, single submitter. Criteria: Ambry Variant Classification Scheme 2023. Collection method: clinical testing. Allele origin: germline.
Comment: The p.W1089L variant (also known as c.3266G>T), located in coding exon 20 of the CFTR gene, results from a G to T substitution at nucleotide position 3266. The tryptophan at codon 1089 is replaced by leucine, an amino acid with similar properties. This amino acid position is highly conserved in available vertebrate species. In addition, this alteration is predicted to be deleterious by in silico analysis. Since supporting evidence is limited at this time, the clinical significance of this alteration remains unclear.

NM_000492.4(CFTR):c.3266G>T (p.Trp1089Leu)

Genes: CFTR (CF transmembrane conductance regulator; plus strand), CFTR-AS2 (CFTR antisense RNA 2; minus strand), LOC111674472 (DNase I hypersensitive sites in introns 16 and 17a of CFTR; plus strand). Cytogenetic location: 7q31.2.
Variant type: single nucleotide variant.
Coding change: c.3266G>T on transcript NM_000492.4 (MANE Select); coding-DNA position 3266, G replaced by T.
Protein change: p.Trp1089Leu; replaces tryptophan 1089 with leucine.
Molecular consequence: missense variant.
Genome position (GRCh38, 1-based): chr7:117,611,707, G>T. VCF-style: chr7-117611707-G-T. GRCh37 (hg19) VCF-style: chr7-117251761-G-T.
Other names: short protein forms W1089L.
Identifiers: ClinVar variation 1729579 (VCV001729579.2), dbSNP rs78802634, ClinGen allele CA368992313.